The following is an entry in ClinVar:

NM_001015880.2(PAPSS2):c.381+10_381+24dup

Gene: PAPSS2 (3'-phosphoadenosine 5'-phosphosulfate synthase 2; plus strand). Cytogenetic location: 10q23.31.
Variant type: Duplication.
Coding change: c.381+10_381+24dup on transcript NM_001015880.2 (MANE Select); bases 10 to 24 of the intron after coding-DNA position 381, 15 bases duplicated (AAAAAAAAAAAAAAA).
Molecular consequence: intron variant.
Genome position (GRCh38, 1-based): chr10:87,713,320-87,713,334, AAAAAAAAAAAAAAA duplicated; duplicating any 15 consecutive bases within chr10:87,713,313-87,713,334 gives the same sequence; the c. name uses the placement nearest the transcript's 3' end. VCF-style (leftmost placement, unchanged base first): chr10-87713312-T-TAAAAAAAAAAAAAAA. GRCh37 (hg19) VCF-style: chr10-89473069-T-TAAAAAAAAAAAAAAA.
Other names: c.381+10_381+24dup (NM_004670.4).
Identifiers: ClinVar variation 1578057 (VCV001578057.16), dbSNP rs367885911, ClinGen allele CA669549354.

ClinVar aggregate classification (germline): Likely benign. Review status: criteria provided, multiple submitters, no conflicts (2 of 4 stars). 3 submissions from 3 submitters: Likely benign (3). Last evaluated 2025-11-01.

Conditions:
Spondyloepimetaphyseal dysplasia, PAPSS2 type. Also called: BRACHYOLMIA TYPE 4 WITH MILD EPIPHYSEAL AND METAPHYSEAL CHANGES; SPONDYLODYSPLASIA AND PREMATURE PUBARCHE; SEMD, PAKISTANI TYPE. Identifiers: Orphanet 93282, MedGen C2748516, MONDO:0019666, OMIM 612847.

Submissions (3):

CeGaT Center for Human Genetics Tuebingen
Classification: Likely benign. Last evaluated: 2025-11-01. Review status: criteria provided, single submitter. Criteria: CeGaT Center For Human Genetics Tuebingen Variant Classification Criteria Version 2. Collection method: clinical testing. Allele origin: germline. Affected: yes. Observed: 2 variant alleles.
Comment: PAPSS2: BS2

Blueprint Genetics
Classification: Likely benign. Last evaluated: 2024-10-22. Review status: criteria provided, single submitter. Criteria: ACMG Guidelines, 2015. Collection method: clinical testing. Allele origin: germline.

Labcorp Genetics (formerly Invitae), Labcorp
Classification: Likely benign for Spondyloepimetaphyseal dysplasia, PAPSS2 type. Last evaluated: 2024-04-10. Review status: criteria provided, single submitter. Criteria: Invitae Variant Classification Sherloc (09022015). Collection method: clinical testing. Allele origin: germline.